The following is an entry in ClinVar:

NM_000059.4(BRCA2):c.7700del (p.Tyr2567fs)

Gene: BRCA2 (BRCA2 DNA repair associated; plus strand). Cytogenetic location: 13q13.1.
Variant type: Deletion.
Coding change: c.7700del on transcript NM_000059.4 (MANE Select); coding-DNA position 7700, one base deleted (A; older notation c.7700delA).
Protein change: p.Tyr2567fs; shifts the reading frame from tyrosine 2567.
Molecular consequence: frameshift variant.
Genome position (GRCh38, 1-based): chr13:32,357,824, A deleted. VCF-style (leftmost placement, unchanged base first): chr13-32357823-TA-T. GRCh37 (hg19) VCF-style: chr13-32931960-TA-T.
Other names: c.7604delA, p.Tyr2535Phefs (NM_001406719.1); c.7700delA, p.Tyr2567Phefs (NM_001406720.1); c.2768delA, p.Tyr923Phefs (NM_001406721.1); c.1283delA, p.Tyr428Phefs (NM_001406722.1); short protein forms Y2567fs.
Identifiers: ClinVar variation 1713210 (VCV001713210.5), dbSNP rs2548542577, ClinGen allele CA2580087341.

ClinVar aggregate classification (germline): Pathogenic. Review status: criteria provided, multiple submitters, no conflicts (2 of 4 stars). 3 submissions from 3 submitters: Pathogenic (2). 1 of the submissions does not count toward it. Last evaluated 2026-03-02.

Conditions:
Hereditary cancer-predisposing syndrome. Also called: Tumor predisposition; Hereditary Cancer Syndrome; Hereditary neoplastic syndrome; Neoplastic Syndromes, Hereditary. Identifiers: Orphanet 140162, MedGen C0027672, MeSH D009386, MONDO:0015356.
Hereditary breast ovarian cancer syndrome. Also called: Hereditary breast and ovarian cancer; Breast and ovarian cancer; Hereditary breast and ovarian cancer syndrome (HBOC); Hereditary breast and/or ovarian cancer syndrome; BRCA1- and BRCA2-Associated Hereditary Breast and Ovarian Cancer; Hereditary breast and ovarian cancer syndrome. Identifiers: Orphanet 145, MedGen C0677776, MeSH D061325, MONDO:0003582. Disease mechanism: loss of function.
Breast-ovarian cancer, familial, susceptibility to, 2 (BROVCA2). Also called: BRCA2 Hereditary Breast and Ovarian Cancer. Identifiers: Orphanet 145, MedGen C2675520, MONDO:0012933, OMIM 612555. Disease mechanism: loss of function.

Submissions (3):

Ambry Genetics
Classification: Pathogenic for Hereditary cancer-predisposing syndrome. Last evaluated: 2026-03-02. Review status: criteria provided, single submitter. Criteria: Ambry Variant Classification Scheme 2023. Collection method: clinical testing. Allele origin: germline.
Comment: The c.7700delA pathogenic mutation, located in coding exon 15 of the BRCA2 gene, results from a deletion of one nucleotide at nucleotide position 7700, causing a translational frameshift with a predicted alternate stop codon (p.Y2567Ffs*81). This variant is considered to be rare based on population cohorts in the Genome Aggregation Database (gnomAD). This alteration is expected to result in loss of function by premature protein truncation or nonsense-mediated mRNA decay. As such, this alteration is interpreted as a disease-causing mutation.

Labcorp Genetics (formerly Invitae), Labcorp
Classification: Pathogenic for Hereditary breast ovarian cancer syndrome. Last evaluated: 2023-03-28. Review status: criteria provided, single submitter. Criteria: Invitae Variant Classification Sherloc (09022015). Collection method: clinical testing. Allele origin: germline.
Comment: This variant is not present in population databases (gnomAD no frequency). This sequence change creates a premature translational stop signal (p.Tyr2567Phefs*81) in the BRCA2 gene. It is expected to result in an absent or disrupted protein product. Loss-of-function variants in BRCA2 are known to be pathogenic (PMID: 20104584). This variant has not been reported in the literature in individuals affected with BRCA2-related conditions. For these reasons, this variant has been classified as Pathogenic.

BRCAlab, Lund University
Classification: Pathogenic for Breast-ovarian cancer, familial, susceptibility to, 2. Last evaluated: 2022-08-26. Review status: no assertion criteria provided. Collection method: clinical testing. Allele origin: germline. Affected: yes. Not counted in ClinVar's aggregate classification.

Literature cited by the submitters: PubMed 20104584 (cited by Labcorp Genetics (formerly Invitae), Labcorp).